The following is an entry in ClinVar:

ClinVar aggregate classification (germline): Likely pathogenic (1 of 4 stars; one submission).

Conditions:
Gaucher disease. Also called: Acute cerebral Gaucher disease; Cerebroside lipidosis syndrome; Gaucher splenomegaly; Sphingolipidosis 1; Glucocerebrosidosis; Glucosylceramidase deficiency. Identifiers: Orphanet 355, MedGen C0017205, MONDO:0018150.

Submission:

Natera, Inc.
Classification: Likely pathogenic for Gaucher disease. Last evaluated: 2024-12-17. Review status: criteria provided, single submitter. Criteria: Natera Variant Classification Schema (03/2026). Collection method: clinical testing. Allele origin: germline.
Comment: The c.1201C>T variant in GBA1 is a nonsense variant predicted to introduce a stop codon at amino acid 401. This variant is expected to result in nonsense mediated decay, truncation, or a dysfunctional protein product. This variant is rare in the general population with a frequency below the threshold expected for the associated phenotype(s). Given the available evidence, this variant is classified as Likely Pathogenic.

NM_000157.4(GBA1):c.1201C>T (p.Gln401Ter)

Genes: GBA1 (glucosylceramidase beta 1; minus strand), LOC106627981 (GBA recombination region; plus strand). Cytogenetic location: 1q22.
Variant type: single nucleotide variant.
Coding change: c.1201C>T on transcript NM_000157.4 (MANE Select); coding-DNA position 1201, C replaced by T.
Protein change: p.Gln401Ter; replaces glutamine 401 with a stop codon.
Molecular consequence: nonsense.
Genome position (GRCh38, 1-based): chr1:155,236,268, G>A on the plus strand (C>T on the coding strand, the complement: GBA1 is on the minus strand). VCF-style: chr1-155236268-G-A. GRCh37 (hg19) VCF-style: chr1-155206059-G-A.
Other names: c.1201C>T, p.Gln401Ter (NM_001005741.3, NM_001005742.3); c.940C>T, p.Gln314Ter (NM_001171811.2); c.1054C>T, p.Gln352Ter (NM_001171812.2); short protein forms Q314*, Q352*, Q401*.
Identifiers: ClinVar variation 4817692 (VCV004817692.1).